The following is an entry in ClinVar:

NM_003071.4(HLTF):c.1894C>T (p.Arg632Cys)

Gene: HLTF (helicase like transcription factor; minus strand). Cytogenetic location: 3q24.
Variant type: single nucleotide variant.
Coding change: c.1894C>T on transcript NM_003071.4 (MANE Select); coding-DNA position 1894, C replaced by T.
Protein change: p.Arg632Cys; replaces arginine 632 with cysteine.
Molecular consequence: missense variant.
Genome position (GRCh38, 1-based): chr3:149,046,258, G>A on the plus strand (C>T on the coding strand, the complement: HLTF is on the minus strand). VCF-style: chr3-149046258-G-A. GRCh37 (hg19) VCF-style: chr3-148764045-G-A.
Other names: c.1891C>T, p.Arg631Cys (NM_001318934.2); c.1894C>T, p.Arg632Cys (NM_001318935.2, NM_139048.3); short protein forms R631C, R632C.
Identifiers: ClinVar variation 3351180 (VCV003351180.1).

ClinVar aggregate classification (germline): Uncertain significance (0 of 4 stars; one submission).

Conditions:
HLTF-related disorder. Also called: HLTF-related condition.

gnomAD v4.1: 104 of 1,473,448 alleles (0.0071%); highest among the groups gnomAD compares: Middle Eastern, 0.018%; no homozygotes.

Submission:

PreventionGenetics, part of Exact Sciences
Classification: Uncertain significance for HLTF-related condition. Last evaluated: 2024-09-27. Review status: no assertion criteria provided. Collection method: clinical testing. Allele origin: germline.
Comment: The HLTF c.1894C>T variant is predicted to result in the amino acid substitution p.Arg632Cys. To our knowledge, this variant has not been reported in the literature. This variant is reported in 0.016% of alleles in individuals of Latino descent in gnomAD. At this time, the clinical significance of this variant is uncertain due to the absence of conclusive functional and genetic evidence.